The following is an entry in ClinVar:

ClinVar aggregate classification (germline): Uncertain significance. Review status: criteria provided, multiple submitters, no conflicts (2 of 4 stars). 2 submissions from 2 submitters: Uncertain significance (2). Last evaluated 2024-08-19.

Allele frequency attached by ClinVar (database versions not stated): gnomAD exomes below 0.00001 and 0.00001; gnomAD 0.00004; TOPMed 0.00009.
gnomAD v4.1: 8 of 1,547,104 alleles (0.00052%); highest among the groups gnomAD compares: African/African-American, 0.0096%; no homozygotes.

Submissions (2):

GeneDx
Classification: Uncertain significance. Last evaluated: 2024-08-19. Review status: criteria provided, single submitter. Criteria: GeneDx Variant Classification Process June 2021. Collection method: clinical testing. Allele origin: germline. Affected: yes.
Comment: Not observed at significant frequency in large population cohorts (gnomAD); In silico analysis supports that this missense variant has a deleterious effect on protein structure/function; Has not been previously published as pathogenic or benign to our knowledge

Laboratory for Molecular Medicine, Mass General Brigham Personalized Medicine
Classification: Uncertain significance. Last evaluated: 2016-11-19. Review status: criteria provided, single submitter. Criteria: LMM Criteria. Collection method: clinical testing. Allele origin: germline. Observed: 1 variant allele.
Comment: The p.His89Arg variant in LRTOMT has not been previously reported in individuals with hearing loss. Data from large population studies is insufficient to asses s the frequency of this variant. Computational prediction tools and conservation analyses do not provide strong support for or against an impact to the protein. In summary, the clinical significance of the p.His89Arg variant is uncertain.

NM_001145308.5(LRTOMT):c.266A>G (p.His89Arg)

Genes: TOMT (transmembrane O-methyltransferase; plus strand), LRTOMT (leucine rich transmembrane and O-methyltransferase domain containing; plus strand). Cytogenetic location: 11q13.4.
Variant type: single nucleotide variant.
Coding change: c.266A>G on transcript NM_001145308.5; coding-DNA position 266, A replaced by G.
Protein change: p.His89Arg; replaces histidine 89 with arginine.
Molecular consequence: missense variant.
Genome position (GRCh38, 1-based): chr11:72,106,118, A>G. VCF-style: chr11-72106118-A-G. GRCh37 (hg19) VCF-style: chr11-71817164-A-G.
Other names: c.167A>G, p.His56Arg (NM_001393500.2); c.266A>G, p.His89Arg (NM_001145309.4); c.146A>G, p.His49Arg (NM_001145310.4); short protein forms H89R, H49R, H56R.
Identifiers: ClinVar variation 505303 (VCV000505303.7), dbSNP rs957857044, ClinGen allele CA224374547.
Genomic context (GRCh38, chr11:72,106,118, plus strand): 5'-TCCGAGACTGCCTGTCAGGGCTGCGGATCGAGGAGCGGGCCTTCAGCTACGTGCTCACCC[A>G]TGCCCTGCCCGGTGACCCTGGTCACATCCTCACCACCCTGGACCACTGGAGCAGCCGCTG-3'